The following is an entry in ClinVar:

NM_004369.4(COL6A3):c.6241A>T (p.Thr2081Ser)

Gene: COL6A3 (collagen type VI alpha 3 chain; minus strand). Cytogenetic location: 2q37.3.
Variant type: single nucleotide variant.
Coding change: c.6241A>T on transcript NM_004369.4 (MANE Select); coding-DNA position 6241, A replaced by T.
Protein change: p.Thr2081Ser; replaces threonine 2081 with serine.
Molecular consequence: missense variant.
Genome position (GRCh38, 1-based): chr2:237,360,129, T>A on the plus strand (A>T on the coding strand, the complement: COL6A3 is on the minus strand). VCF-style: chr2-237360129-T-A. GRCh37 (hg19) VCF-style: chr2-238268772-T-A.
Other names: c.4420A>T, p.Thr1474Ser (NM_057166.5); c.5623A>T, p.Thr1875Ser (NM_057167.4); short protein forms T1875S, T1474S, T2081S.
Identifiers: ClinVar variation 3665073 (VCV003665073.2).

ClinVar aggregate classification (germline): Uncertain significance (1 of 4 stars; one submission).

Conditions:
Bethlem myopathy 1A. Also called: MYOPATHY, BENIGN CONGENITAL, WITH CONTRACTURES; Bethlem myopathy 1; Bethlem Muscular Dystrophy. Identifiers: Orphanet 610, MedGen CN029274, MONDO:0024530, OMIM 158810.

gnomAD v4.1: 18 of 1,613,924 alleles (0.0011%); highest among the groups gnomAD compares: Non-Finnish European, 0.0014%; no homozygotes.

Submission:

Labcorp Genetics (formerly Invitae), Labcorp
Classification: Uncertain significance for Bethlem myopathy 1A. Last evaluated: 2025-05-14. Review status: criteria provided, single submitter. Criteria: Invitae Variant Classification Sherloc (09022015). Collection method: clinical testing. Allele origin: germline.
Comment: This sequence change replaces threonine, which is neutral and polar, with serine, which is neutral and polar, at codon 2081 of the COL6A3 protein (p.Thr2081Ser). This variant is present in population databases (rs760114479, gnomAD 0.006%). This variant has not been reported in the literature in individuals affected with COL6A3-related conditions. ClinVar contains an entry for this variant (Variation ID: 3665073). Invitae Evidence Modeling of protein sequence and biophysical properties (such as structural, functional, and spatial information, amino acid conservation, physicochemical variation, residue mobility, and thermodynamic stability) indicates that this missense variant is expected to disrupt COL6A3 protein function with a positive predictive value of 80%. In summary, the available evidence is currently insufficient to determine the role of this variant in disease. Therefore, it has been classified as a Variant of Uncertain Significance.